The following is an entry in ClinVar:

ClinVar aggregate classification (germline): Uncertain significance (1 of 4 stars; one submission).

Conditions:
DOCK2 deficiency. Also called: Immunodeficiency 40. Identifiers: Orphanet 447737, MedGen C4225328, MONDO:0014637, OMIM 616433.

Allele frequency attached by ClinVar (database versions not stated): gnomAD exomes below 0.00001; ExAC 0.00001; gnomAD 0.00001; TOPMed 0.00001.
gnomAD v4.1: 5 of 1,613,992 alleles (0.00031%); highest among the groups gnomAD compares: African/African-American, 0.004%; no homozygotes.

Submission:

Labcorp Genetics (formerly Invitae), Labcorp
Classification: Uncertain significance for DOCK2 deficiency. Last evaluated: 2021-08-31. Review status: criteria provided, single submitter. Criteria: Invitae Variant Classification Sherloc (09022015). Collection method: clinical testing. Allele origin: germline.
Comment: This sequence change replaces cysteine with phenylalanine at codon 853 of the DOCK2 protein (p.Cys853Phe). The cysteine residue is highly conserved and there is a large physicochemical difference between cysteine and phenylalanine. This variant is present in population databases (rs758988078, ExAC 0.01%). This variant has not been reported in the literature in individuals affected with DOCK2-related conditions. Algorithms developed to predict the effect of missense changes on protein structure and function are either unavailable or do not agree on the potential impact of this missense change (SIFT: "Deleterious"; PolyPhen-2: "Probably Damaging"; Align-GVGD: "Class C15"). In summary, the available evidence is currently insufficient to determine the role of this variant in disease. Therefore, it has been classified as a Variant of Uncertain Significance.

NM_004946.3(DOCK2):c.2558G>T (p.Cys853Phe)

Gene: DOCK2 (dedicator of cytokinesis 2; plus strand). Cytogenetic location: 5q35.1.
Variant type: single nucleotide variant.
Coding change: c.2558G>T on transcript NM_004946.3 (MANE Select); coding-DNA position 2558, G replaced by T.
Protein change: p.Cys853Phe; replaces cysteine 853 with phenylalanine.
Molecular consequence: missense variant. On other transcripts: non-coding transcript variant (1).
Genome position (GRCh38, 1-based): chr5:169,803,061, G>T. VCF-style: chr5-169803061-G-T. GRCh37 (hg19) VCF-style: chr5-169230065-G-T.
Other names: short protein forms C853F.
Identifiers: ClinVar variation 1438733 (VCV001438733.3), dbSNP rs758988078, ClinGen allele CA3553795.